The following is an entry in ClinVar:

NM_001035.3(RYR2):c.1372G>A (p.Asp458Asn)

Gene: RYR2 (ryanodine receptor 2; plus strand). Cytogenetic location: 1q43.
Variant type: single nucleotide variant.
Coding change: c.1372G>A on transcript NM_001035.3 (MANE Select); coding-DNA position 1372, G replaced by A.
Protein change: p.Asp458Asn; replaces aspartic acid 458 with asparagine.
Molecular consequence: missense variant.
Genome position (GRCh38, 1-based): chr1:237,454,470, G>A. VCF-style: chr1-237454470-G-A. GRCh37 (hg19) VCF-style: chr1-237617770-G-A.
Other names: c.1372G>A, p.Asp458Asn (LRG_402t1); short protein forms D458N.
Identifiers: ClinVar variation 523698 (VCV000523698.10), dbSNP rs1553458124, ClinGen allele CA345380289.

ClinVar aggregate classification (germline): Conflicting classifications of pathogenicity. Review status: criteria provided, conflicting classifications (1 of 4 stars). 2 submissions from 2 submitters: Likely pathogenic (1); Uncertain significance (1). Last evaluated 2022-02-16.

Conditions:
Cardiovascular phenotype. Identifiers: MedGen CN230736.

Submissions (2):

Molecular Diagnostic Laboratory for Inherited Cardiovascular Disease, Montreal Heart Institute
Classification: Likely pathogenic for Cardiovascular phenotype. Last evaluated: 2022-02-16. Review status: criteria provided, single submitter. Criteria: ACMG Guidelines, 2015. Collection method: clinical testing. Allele origin: germline. Affected: yes.

ARUP Laboratories, Molecular Genetics and Genomics, ARUP Laboratories
Classification: Uncertain significance. Last evaluated: 2018-04-20. Review status: criteria provided, single submitter. Criteria: ARUP Molecular Germline Variant Investigation Process. Collection method: clinical testing. Allele origin: germline.
Comment: The RYR2 c.1372G>A p.Asp458Asn variant, to our knowledge, is not reported in the medical literature, gene specific variation databases, nor has it been previously identified by our laboratory. This variant is absent from the general population databases (1000 Genomes Project, Exome Variant Server, Genome Aggregation Database), indicating it is not a common polymorphism. The aspartic acid at position 458 is highly conserved, considering 10 species, and computational analyses of the effects of the p.Asp458Asn variant on protein structure and function predict a deleterious effect (SIFT: damaging, PolyPhen-2: possibly damaging). Based on the available information, the clinical significance of the p.Asp458Asn variant cannot be determined with certainty.